The following is an entry in ClinVar:

ClinVar aggregate classification (germline): Uncertain significance. Review status: criteria provided, multiple submitters, no conflicts (2 of 4 stars). 3 submissions from 3 submitters: Uncertain significance (3). Last evaluated 2025-12-11.

Conditions:
Hermansky-Pudlak syndrome 2 (HPS2). Also called: Platelet defects and oculocutaneous albinism. Identifiers: Orphanet 183678, Orphanet 79430, MedGen C1842362, MONDO:0011997, OMIM 608233.
Inborn genetic diseases. Identifiers: MedGen C0950123, MeSH D030342.

Allele frequency attached by ClinVar (database versions not stated): gnomAD 0.00001; TOPMed 0.00002; ESP Exome Variant Server 0.00008.
gnomAD v4.1: 5 of 1,613,444 alleles (0.00031%); highest among the groups gnomAD compares: African/African-American, 0.0027%; no homozygotes.

Submissions (3):

Ambry Genetics
Classification: Uncertain significance for Inborn genetic diseases. Last evaluated: 2025-12-11. Review status: criteria provided, single submitter. Criteria: Ambry Variant Classification Scheme 2023. Collection method: clinical testing. Allele origin: germline.

Labcorp Genetics (formerly Invitae), Labcorp
Classification: Uncertain significance for Hermansky-Pudlak syndrome 2. Last evaluated: 2024-08-29. Review status: criteria provided, single submitter. Criteria: Invitae Variant Classification Sherloc (09022015). Collection method: clinical testing. Allele origin: germline.
Comment: This sequence change replaces histidine, which is basic and polar, with arginine, which is basic and polar, at codon 482 of the AP3B1 protein (p.His482Arg). This variant is present in population databases (rs370497154, gnomAD 0.007%). This variant has not been reported in the literature in individuals affected with AP3B1-related conditions. ClinVar contains an entry for this variant (Variation ID: 1440545). An algorithm developed to predict the effect of missense changes on protein structure and function (PolyPhen-2) suggests that this variant is likely to be tolerated. In summary, the available evidence is currently insufficient to determine the role of this variant in disease. Therefore, it has been classified as a Variant of Uncertain Significance.

Blueprint Genetics
Classification: Uncertain significance. Last evaluated: 2021-10-22. Review status: criteria provided, single submitter. Criteria: ACMG Guidelines, 2015. Collection method: clinical testing. Allele origin: germline.

NM_003664.5(AP3B1):c.1445A>G (p.His482Arg)

Gene: AP3B1 (adaptor related protein complex 3 subunit beta 1; minus strand). Cytogenetic location: 5q14.1.
Variant type: single nucleotide variant.
Coding change: c.1445A>G on transcript NM_003664.5 (MANE Select); coding-DNA position 1445, A replaced by G.
Protein change: p.His482Arg; replaces histidine 482 with arginine.
Molecular consequence: missense variant.
Genome position (GRCh38, 1-based): chr5:78,156,286, T>C on the plus strand (A>G on the coding strand, the complement: AP3B1 is on the minus strand). VCF-style: chr5-78156286-T-C. GRCh37 (hg19) VCF-style: chr5-77452110-T-C.
Other names: c.1298A>G, p.His433Arg (NM_001271769.2); c.1445A>G (NM_003664.3); short protein forms H433R, H482R.
Identifiers: ClinVar variation 1440545 (VCV001440545.8), dbSNP rs370497154, ClinGen allele CA3317065.